The following is an entry in ClinVar:

ClinVar aggregate classification (germline): Likely pathogenic (1 of 4 stars; one submission).

Conditions:
Wilson disease (WND). Also called: Wilson's disease. Identifiers: Orphanet 905, MedGen C0019202, MONDO:0010200, OMIM 277900. Disease mechanism: loss of function.

Submission:

Natera, Inc.
Classification: Likely pathogenic for Wilson disease. Last evaluated: 2024-04-03. Review status: criteria provided, single submitter. Criteria: Natera Variant Classification Schema (03/2026). Collection method: clinical testing. Allele origin: germline.
Comment: The c.1275delA variant in ATP7B is a frameshift variant predicted to shift the reading frame beginning at codon 426 and leads to a stop codon 72 codons downstream. This variant is expected to result in nonsense mediated decay, truncation, or a dysfunctional protein product. This variant is rare in the general population with a frequency below the threshold expected for the associated phenotype(s). Given the available evidence, this variant is classified as Likely Pathogenic.

NM_000053.4(ATP7B):c.1275del (p.Val426fs)

Gene: ATP7B (ATPase copper transporting beta; minus strand). Cytogenetic location: 13q14.3.
Variant type: Deletion.
Coding change: c.1275del on transcript NM_000053.4 (MANE Select); coding-DNA position 1275, one base deleted (A; older notation c.1275delA).
Protein change: p.Val426fs; shifts the reading frame from valine 426.
Molecular consequence: frameshift variant.
Genome position (GRCh38, 1-based): chr13:51,973,945, T deleted on the plus strand (A on the coding strand, the reverse complement: ATP7B is on the minus strand). VCF-style (leftmost placement, unchanged base first): chr13-51973944-CT-C. GRCh37 (hg19) VCF-style: chr13-52548080-CT-C.
Other names: c.1275del, p.Val426fs (NM_001005918.3, NM_001330578.2, NM_001330579.2 and 29 more transcripts); c.942del, p.Val315fs (NM_001243182.2); c.1179del, p.Val394fs (NM_001406517.1, NM_001406518.1, NM_001406530.1 and 3 more transcripts); c.846del, p.Val283fs (NM_001406539.1); short protein forms V283fs, V315fs, V394fs, V426fs.
Identifiers: ClinVar variation 4814964 (VCV004814964.1).